The following is an entry in ClinVar:

ClinVar aggregate classification (germline): Likely benign (0 of 4 stars; one submission).

Conditions:
THSD1-related disorder. Also called: THSD1-related condition.

Allele frequency attached by ClinVar (database versions not stated): TOPMed below 0.00001.
gnomAD v4.1: 8 of 1,614,078 alleles (0.0005%); highest among the groups gnomAD compares: Non-Finnish European, 0.00068%; no homozygotes.

Submission:

PreventionGenetics, part of Exact Sciences
Classification: Likely benign for THSD1-related condition. Last evaluated: 2019-07-11. Review status: no assertion criteria provided. Collection method: clinical testing. Allele origin: germline.
Comment: This variant is classified as likely benign based on ACMG/AMP sequence variant interpretation guidelines (Richards et al. 2015 PMID: 25741868, with internal and published modifications).

NM_018676.4(THSD1):c.1314G>A (p.Arg438=)

Gene: THSD1 (thrombospondin type 1 domain containing 1; minus strand). Cytogenetic location: 13q14.3.
Variant type: single nucleotide variant.
Coding change: c.1314G>A on transcript NM_018676.4 (MANE Select); coding-DNA position 1314, G replaced by A.
Protein change: p.Arg438=; no amino-acid change (arginine 438 retained).
Molecular consequence: synonymous variant.
Genome position (GRCh38, 1-based): chr13:52,378,656, C>T on the plus strand (G>A on the coding strand, the complement: THSD1 is on the minus strand). VCF-style: chr13-52378656-C-T. GRCh37 (hg19) VCF-style: chr13-52952791-C-T.
Other names: c.1155G>A, p.Arg385= (NM_199263.3).
Identifiers: ClinVar variation 3049369 (VCV003049369.2), dbSNP rs1249929003, ClinGen allele CA484028368.